The following is an entry in ClinVar:

ClinVar aggregate classification (germline): Uncertain significance (1 of 4 stars; one submission).

Conditions:
Leukocyte adhesion deficiency type II. Also called: CONGENITAL DISORDER OF GLYCOSYLATION, TYPE IIc; Congenital disorder of glycosylation type 2C; CDG 2C; Leukocyte adhesion deficiency type 2; Rambam Hasharon syndrome; CDG IIc. Identifiers: Orphanet 2968, Orphanet 99843, MedGen C0398739, MONDO:0009953, OMIM 266265.

Submission:

Labcorp Genetics (formerly Invitae), Labcorp
Classification: Uncertain significance for Leukocyte adhesion deficiency type II. Last evaluated: 2024-10-30. Review status: criteria provided, single submitter. Criteria: Invitae Variant Classification Sherloc (09022015). Collection method: clinical testing. Allele origin: germline.
Comment: This sequence change replaces threonine, which is neutral and polar, with asparagine, which is neutral and polar, at codon 348 of the SLC35C1 protein (p.Thr348Asn). This variant is not present in population databases (gnomAD no frequency). This variant has not been reported in the literature in individuals affected with SLC35C1-related conditions. An algorithm developed to predict the effect of missense changes on protein structure and function (PolyPhen-2) suggests that this variant is likely to be tolerated. In summary, the available evidence is currently insufficient to determine the role of this variant in disease. Therefore, it has been classified as a Variant of Uncertain Significance.

NM_018389.5(SLC35C1):c.1043C>A (p.Thr348Asn)

Gene: SLC35C1 (solute carrier family 35 member C1; plus strand). Cytogenetic location: 11p11.2.
Variant type: single nucleotide variant.
Coding change: c.1043C>A on transcript NM_018389.5 (MANE Select); coding-DNA position 1043, C replaced by A.
Protein change: p.Thr348Asn; replaces threonine 348 with asparagine.
Molecular consequence: missense variant.
Genome position (GRCh38, 1-based): chr11:45,811,283, C>A. VCF-style: chr11-45811283-C-A. GRCh37 (hg19) VCF-style: chr11-45832834-C-A.
Other names: c.1004C>A, p.Thr335Asn (NM_001145265.2, NM_001145266.2, NM_001425156.1); c.1043C>A, p.Thr348Asn (NM_001425155.1); short protein forms T348N, T335N.
Identifiers: ClinVar variation 3724260 (VCV003724260.2).